The following is an entry in ClinVar:

ClinVar aggregate classification (germline): Uncertain significance. Review status: criteria provided, multiple submitters, no conflicts (2 of 4 stars). 5 submissions from 5 submitters: Uncertain significance (4). 1 of the submissions does not count toward it. Last evaluated 2026-08-18.

Conditions:
Malignant tumor of urinary bladder. Also called: Bladder cancer; Urinary bladder cancer; Urinary Bladder Neoplasms. Identifiers: MedGen C0005684, MONDO:0001187, OMIM 109800.
Hereditary cancer-predisposing syndrome. Also called: Tumor predisposition; Hereditary Cancer Syndrome; Hereditary neoplastic syndrome; Neoplastic Syndromes, Hereditary. Identifiers: Orphanet 140162, MedGen C0027672, MeSH D009386, MONDO:0015356.
Hereditary breast ovarian cancer syndrome. Also called: Hereditary breast and/or ovarian cancer syndrome; Hereditary breast and ovarian cancer syndrome; BRCA1- and BRCA2-Associated Hereditary Breast and Ovarian Cancer; Breast and ovarian cancer; Hereditary breast and ovarian cancer; Hereditary breast and ovarian cancer syndrome (HBOC). Identifiers: Orphanet 145, MedGen C0677776, MeSH D061325, MONDO:0003582. Disease mechanism: loss of function.

Submissions (5):

Ambry Genetics
Classification: Uncertain significance for Hereditary cancer-predisposing syndrome. Last evaluated: 2026-08-18. Review status: criteria provided, single submitter. Criteria: Ambry Variant Classification Scheme 2023. Collection method: clinical testing. Allele origin: germline.
Comment: The c.4357+3G>A intronic variant results from a G to A substitution 3 nucleotides after coding exon 11 in the BRCA1 gene. This nucleotide position is poorly conserved in available vertebrate species. In silico splice site analysis predicts that this alteration will not have any significant effect on splicing. Based on the available evidence, the clinical significance of this variant remains unclear.

Labcorp Genetics (formerly Invitae), Labcorp
Classification: Uncertain significance for Hereditary breast ovarian cancer syndrome. Last evaluated: 2023-01-07. Review status: criteria provided, single submitter. Criteria: Invitae Variant Classification Sherloc (09022015). Collection method: clinical testing. Allele origin: germline.
Comment: In summary, the available evidence is currently insufficient to determine the role of this variant in disease. Therefore, it has been classified as a Variant of Uncertain Significance. Variants that disrupt the consensus splice site are a relatively common cause of aberrant splicing (PMID: 17576681, 9536098). Algorithms developed to predict the effect of sequence changes on RNA splicing suggest that this variant is not likely to affect RNA splicing. ClinVar contains an entry for this variant (Variation ID: 1054679). This variant has not been reported in the literature in individuals affected with BRCA1-related conditions. This variant is not present in population databases (gnomAD no frequency). This sequence change falls in intron 12 of the BRCA1 gene. It does not directly change the encoded amino acid sequence of the BRCA1 protein. It affects a nucleotide within the consensus splice site.

Color Diagnostics, LLC DBA Color Health
Classification: Uncertain significance for Hereditary cancer-predisposing syndrome. Last evaluated: 2022-05-16. Review status: criteria provided, single submitter. Criteria: ACMG Guidelines, 2015. Collection method: clinical testing. Allele origin: germline.
Comment: This variant causes a G to A nucleotide substitution at the +3 position of intron 12 of the BRCA1 gene. To our knowledge, functional studies have not been reported for this variant. This variant has not been reported in individuals affected with hereditary cancer in the literature. This variant has not been identified in the general population by the Genome Aggregation Database (gnomAD). The available evidence is insufficient to determine the role of this variant in disease conclusively. Therefore, this variant is classified as a Variant of Uncertain Significance.

National Health Laboratory Service, Universitas Academic Hospital and University of the Free State
Classification: Uncertain significance for Hereditary breast ovarian cancer syndrome. Last evaluated: 2021-11-16. Review status: criteria provided, single submitter. Criteria: ACMG Guidelines, 2015. Collection method: clinical testing. Allele origin: germline. Affected: yes. Observed: 1 variant allele.

Laboratory of Urology, Hospital Clinic de Barcelona
Classification: Pathogenic for Malignant tumor of urinary bladder. Review status: no assertion criteria provided. Collection method: research. Allele origin: somatic. Affected: yes. Not counted in ClinVar's aggregate classification.

Literature cited by the submitters: PubMed 17576681 (cited by Labcorp Genetics (formerly Invitae), Labcorp); PubMed 9536098 (cited by Labcorp Genetics (formerly Invitae), Labcorp); DOI 10.3389/fgene.2022.834265 (cited by National Health Laboratory Service, Universitas Academic Hospital and University of the Free State).

NM_007294.4(BRCA1):c.4357+3G>A

Gene: BRCA1 (BRCA1 DNA repair associated; minus strand). Cytogenetic location: 17q21.31.
Variant type: single nucleotide variant.
Coding change: c.4357+3G>A on transcript NM_007294.4 (MANE Select); 3 bases into the intron after coding-DNA position 4357, G replaced by A.
Molecular consequence: intron variant.
Genome position (GRCh38, 1-based): chr17:43,082,401, C>T on the plus strand (G>A on the coding strand, the complement: BRCA1 is on the minus strand). VCF-style: chr17-43082401-C-T. GRCh37 (hg19) VCF-style: chr17-41234418-C-T.
Other names: c.4357+3G>A (NM_007294.3, NM_001407618.1, NM_001407603.1 and 24 more transcripts); c.907+3G>A (NM_001408458.1, NM_001408453.1, NM_001408461.1 and 8 more transcripts); c.3469+3G>A (NM_001407967.1, NM_001407966.1); c.3976+3G>A (NM_001407959.1, NM_001407960.1); c.4090+3G>A (NM_001407931.1, NM_001407932.1, NM_001407935.1 and 3 more transcripts); c.4213+3G>A (NM_001407747.1, NM_001407839.1, NM_001407745.1 and 23 more transcripts); c.3973+3G>A (NM_001407962.1, NM_001407963.1); c.544+3G>A (NM_001408512.1); and 51 more.
Identifiers: ClinVar variation 1054679 (VCV001054679.27), dbSNP rs2154144124, ClinGen allele CA2499224419.
Genomic context (GRCh38, chr17:43,082,401, plus strand): 5'-AGGAGATAAAGGGGAAGGAAAGAATTTTGCTTAAGATATCAGTGTTTGGCCAACAATACA[C>T]ACCTTTTTCTGATGTGCTTTGTTCTGGATTTCGCAGGTCCTCAAGGGCAGAAGAGTCACT-3'